The following is an entry in ClinVar:

NM_014846.4(WASHC5):c.597A>G (p.Pro199=)

Gene: WASHC5 (WASH complex subunit 5; minus strand). Cytogenetic location: 8q24.13.
Variant type: single nucleotide variant.
Coding change: c.597A>G on transcript NM_014846.4 (MANE Select); coding-DNA position 597, A replaced by G.
Protein change: p.Pro199=; no amino-acid change (proline 199 retained).
Molecular consequence: synonymous variant.
Genome position (GRCh38, 1-based): chr8:125,078,852, T>C on the plus strand (A>G on the coding strand, the complement: WASHC5 is on the minus strand). VCF-style: chr8-125078852-T-C. GRCh37 (hg19) VCF-style: chr8-126091094-T-C.
Other names: p.Pro199=; c.153A>G, p.Pro51= (NM_001330609.2).
Identifiers: ClinVar variation 129377 (VCV000129377.26), dbSNP rs7812319, ClinGen allele CA153334.

ClinVar aggregate classification (germline): Benign. Review status: criteria provided, multiple submitters, no conflicts (2 of 4 stars). 9 submissions from 9 submitters: Benign (8). 1 of the submissions does not count toward it. Last evaluated 2026-01-26.

Conditions:
Ritscher-Schinzel syndrome. Also called: CRANIOCEREBELLOCARDIAC DYSPLASIA. Identifiers: Orphanet 7, MedGen C0796137, MONDO:0019078.
Hereditary spastic paraplegia 8 (SPG8). Also called: SPASTIC PARAPLEGIA 8, AUTOSOMAL DOMINANT. Identifiers: Orphanet 100989, MedGen C1863704, MONDO:0011339, OMIM 603563.
Hereditary spastic paraplegia. Also called: Familial spastic paraparesis. Identifiers: Orphanet 685, MedGen C0037773, MONDO:0019064. Disease mechanism: loss of function.

Allele frequency attached by ClinVar (database versions not stated): gnomAD 0.02380 and 0.02858; TOPMed 0.02534; ESP Exome Variant Server 0.02545; gnomAD exomes 0.04249; ExAC 0.04503; 1000 Genomes Project 30x 0.06246; 1000 Genomes Project 0.06589.
gnomAD v4.1: 50,366 of 1,613,884 alleles (3.1%); highest among the groups gnomAD compares: South Asian, 15%; 1,741 homozygotes.

Submissions (9):

Labcorp Genetics (formerly Invitae), Labcorp
Classification: Benign for Ritscher-Schinzel syndrome; Hereditary spastic paraplegia 8. Last evaluated: 2026-01-26. Review status: criteria provided, single submitter. Criteria: Invitae Variant Classification Sherloc (09022015). Collection method: clinical testing. Allele origin: germline.

Athena Diagnostics
Classification: Benign. Last evaluated: 2025-08-25. Review status: criteria provided, single submitter. Criteria: Athena Diagnostics Criteria. Collection method: clinical testing. Allele origin: unknown.
Comment: The frequency of this variant in the general population is higher than would generally be expected for pathogenic variants in this gene.

Blueprint Genetics
Classification: Benign. Last evaluated: 2024-11-27. Review status: criteria provided, single submitter. Criteria: ACMG Guidelines, 2015. Collection method: clinical testing. Allele origin: germline.

Illumina Laboratory Services, Illumina
Classification: Benign for Hereditary spastic paraplegia 8. Last evaluated: 2018-01-12. Review status: criteria provided, single submitter. Criteria: ICSL Variant Classification Criteria 13 December 2019. Collection method: clinical testing. Allele origin: germline.
Comment: This variant was observed in the ICSL laboratory as part of a predisposition screen in an ostensibly healthy population. It had not been previously curated by ICSL or reported in the Human Gene Mutation Database (HGMD: prior to June 1st, 2018), and was therefore a candidate for classification through an automated scoring system. Utilizing variant allele frequency, disease prevalence and penetrance estimates, and inheritance mode, an automated score was calculated to assess if this variant is too frequent to cause the disease. Based on the score and internal cut-off values, a variant classified as benign is not then subjected to further curation. The score for this variant resulted in a classification of benign for this disease.

Genome Diagnostics Laboratory, The Hospital for Sick Children
Classification: Benign for Hereditary spastic paraplegia. Last evaluated: 2016-12-12. Review status: criteria provided, single submitter. Criteria: ACMG Guidelines, 2015. Collection method: clinical testing. Allele origin: germline. Affected: yes.

Mayo Clinic Laboratories, Mayo Clinic
Classification: Benign. Last evaluated: 2016-04-21. Review status: criteria provided, single submitter. Criteria: ACMG Guidelines, 2015. Collection method: clinical testing. Allele origin: germline. Observed: 76 variant alleles.

GeneDx
Classification: Benign. Last evaluated: 2016-04-04. Review status: criteria provided, single submitter. Criteria: GeneDx Variant Classification (06012015). Collection method: clinical testing. Allele origin: germline. Affected: yes.
Comment: This variant is considered likely benign or benign based on one or more of the following criteria: it is a conservative change, it occurs at a poorly conserved position in the protein, it is predicted to be benign by multiple in silico algorithms, and/or has population frequency not consistent with disease.

Breakthrough Genomics
Classification: Benign. Review status: criteria provided, single submitter. Criteria: ACMG Guidelines, 2015. Collection method: not provided. Allele origin: germline. Inheritance: Autosomal recessive inheritance. Affected: yes.

Genetic Services Laboratory, University of Chicago
Classification: Likely benign for AllHighlyPenetrant. Review status: no assertion criteria provided. Collection method: clinical testing. Allele origin: germline. Inheritance: Autosomal dominant inheritance. Not counted in ClinVar's aggregate classification.
Comment: Likely benign based on allele frequency in 1000 Genomes Project or ESP global frequency and its presence in a patient with a rare or unrelated disease phenotype. NOT Sanger confirmed.